The following is an entry in ClinVar:

NM_001352027.3(PHF21A):c.484A>G (p.Ile162Val)

Gene: PHF21A (PHD finger protein 21A; minus strand). Cytogenetic location: 11p11.2.
Variant type: single nucleotide variant.
Coding change: c.484A>G on transcript NM_001352027.3 (MANE Select); coding-DNA position 484, A replaced by G.
Protein change: p.Ile162Val; replaces isoleucine 162 with valine.
Molecular consequence: missense variant. On other transcripts: non-coding transcript variant (2).
Genome position (GRCh38, 1-based): chr11:45,971,244, T>C on the plus strand (A>G on the coding strand, the complement: PHF21A is on the minus strand). VCF-style: chr11-45971244-T-C. GRCh37 (hg19) VCF-style: chr11-45992795-T-C.
Other names: c.484A>G, p.Ile162Val (NM_001101802.3, NM_001352025.3, NM_001352026.3 and 5 more transcripts); c.481A>G, p.Ile161Val (NM_001352030.3); c.484A>G (NM_001101802.1); short protein forms I161V, I162V.
Identifiers: ClinVar variation 3608636 (VCV003608636.3).
Genomic context (GRCh38, chr11:45,971,244, plus strand): 5'-TCTGGAGGTTGACTGGTGTGTTCTGCACATCAGTGCTGAGCACAGCCTTCTGACTGTTGA[T>C]GGCGGTCACCATAGCAATGGTAGGTCTCTGGCCCACCACAGAGGCAGGCATGGTCGCAGT-3'
Protein context (NP_001338956.1, residues 152-172): QRPTIAMVTA[Ile162Val]NSQKAVLSTD

ClinVar aggregate classification (germline): Uncertain significance. Review status: criteria provided, multiple submitters, no conflicts (2 of 4 stars). 2 submissions from 2 submitters: Uncertain significance (2). Last evaluated 2025-10-22.

Conditions:
Inborn genetic diseases. Identifiers: MedGen C0950123, MeSH D030342.

gnomAD v4.1: 13 of 1,614,064 alleles (0.00081%); highest among the groups gnomAD compares: African/African-American, 0.011%; no homozygotes.

Submissions (2):

Ambry Genetics
Classification: Uncertain significance for Inborn genetic diseases. Last evaluated: 2025-10-22. Review status: criteria provided, single submitter. Criteria: Ambry Variant Classification Scheme 2023. Collection method: clinical testing. Allele origin: germline.

Labcorp Genetics (formerly Invitae), Labcorp
Classification: Uncertain significance. Last evaluated: 2025-01-23. Review status: criteria provided, single submitter. Criteria: Invitae Variant Classification Sherloc (09022015). Collection method: clinical testing. Allele origin: germline.
Comment: This sequence change replaces isoleucine, which is neutral and non-polar, with valine, which is neutral and non-polar, at codon 162 of the PHF21A protein (p.Ile162Val). This variant is present in population databases (rs367774347, gnomAD 0.008%). This variant has not been reported in the literature in individuals affected with PHF21A-related conditions. Invitae Evidence Modeling of protein sequence and biophysical properties (such as structural, functional, and spatial information, amino acid conservation, physicochemical variation, residue mobility, and thermodynamic stability) indicates that this missense variant is not expected to disrupt PHF21A protein function with a negative predictive value of 80%. In summary, the available evidence is currently insufficient to determine the role of this variant in disease. Therefore, it has been classified as a Variant of Uncertain Significance.